The following is an entry in ClinVar:

ClinVar aggregate classification (germline): Uncertain significance (1 of 4 stars; one submission).

Submission:

Mayo Clinic Laboratories, Mayo Clinic
Classification: Uncertain significance. Last evaluated: 2024-08-27. Review status: criteria provided, single submitter. Criteria: ACMG Guidelines, 2015. Collection method: clinical testing. Allele origin: germline. Observed: 1 variant allele.
Comment: BP4

NM_001267550.2(TTN):c.5535G>C (p.Leu1845Phe)

Gene: TTN (titin; minus strand). Cytogenetic location: 2q31.2.
Variant type: single nucleotide variant.
Coding change: c.5535G>C on transcript NM_001267550.2 (MANE Select); coding-DNA position 5535, G replaced by C.
Protein change: p.Leu1845Phe; replaces leucine 1845 with phenylalanine.
Molecular consequence: missense variant.
Genome position (GRCh38, 1-based): chr2:178,776,329, C>G on the plus strand (G>C on the coding strand, the complement: TTN is on the minus strand). VCF-style: chr2-178776329-C-G. GRCh37 (hg19) VCF-style: chr2-179641056-C-G.
Other names: p.Leu1845Phe; c.5535G>C, p.Leu1845Phe (NM_001256850.1, NM_133378.4, NM_133379.5); c.5397G>C, p.Leu1799Phe (NM_003319.4, NM_133432.3, NM_133437.4); short protein forms L1799F, L1845F.
Identifiers: ClinVar variation 3379388 (VCV003379388.1).
Genomic context (GRCh38, chr2:178,776,329, plus strand): 5'-TGTTACCCTGCAGCGGAACCTTGCAGTCTCCCCTTCAAGTACTCTAACTGGCTCTGGGTA[C>G]AAGACAATGTCTGGCTTTTGCTTTTCTTTCTGATCTGTTGTTACACCTGTAAGTGCACCT-3'
Protein context (NP_001254479.2, residues 1835-1855): QKEKQKPDIV[Leu1845Phe]YPEPVRVLEG